The following is an entry in ClinVar:

ClinVar aggregate classification (germline): Pathogenic (1 of 4 stars; one submission).

Submission:

GeneDx
Classification: Pathogenic. Last evaluated: 2016-11-25. Review status: criteria provided, single submitter. Criteria: GeneDx Variant Classification (06012015). Collection method: clinical testing. Allele origin: germline. Affected: yes.
Comment: The c.428delT pathogenic variant in the TSC2 gene causes a frameshift starting with codonPhenylalanine 143, changes this amino acid to a Serine residue and creates a premature Stop codon at position 39 of the new reading frame, denoted p.Phe143SerfsX39. This pathogenic variant is predicted to cause loss of normal protein function either through protein truncation or nonsense-mediated mRNA decay. Additionally, the c.428delT variant is not observed in large population cohorts (Lek et al., 2016; 1000 Genomes Consortium et al., 2015; Exome Variant Server). Although this pathogenic variant has not been previously reported to our knowledge, the presence of c.428delT is consistent with a diagnosis of tuberous sclerosis complex.

NM_000548.5(TSC2):c.428del (p.Phe143fs)

Gene: TSC2 (TSC complex subunit 2; plus strand). Cytogenetic location: 16p13.3.
Variant type: Deletion.
Coding change: c.428del on transcript NM_000548.5 (MANE Select); coding-DNA position 428, one base deleted (T; older notation c.428delT).
Protein change: p.Phe143fs; shifts the reading frame from phenylalanine 143.
Molecular consequence: frameshift variant. On other transcripts: intron variant (1).
Genome position (GRCh38, 1-based): chr16:2,054,387, T deleted; the last of 4 consecutive T bases (chr16:2,054,384-2,054,387); deleting any one gives the same sequence. VCF-style (leftmost placement, unchanged base first): chr16-2054383-GT-G. GRCh37 (hg19) VCF-style: chr16-2104384-GT-G.
Other names: c.428del, p.Phe143fs (NM_001077183.3, NM_001114382.3, NM_001363528.2 and 3 more transcripts); c.317del, p.Phe106fs (NM_001318827.2); c.281del, p.Phe94fs (NM_001318829.2); c.461del, p.Phe154fs (NM_001318832.2); c.-1-1809del (NM_001318831.2); short protein forms F154fs, F143fs, F94fs, F106fs.
Identifiers: ClinVar variation 373617 (VCV000373617.2), dbSNP rs1057518508, ClinGen allele CA16043063.